The following is an entry in ClinVar:

NM_001330360.2(POLA1):c.3080T>C (p.Leu1027Ser)

Gene: POLA1 (DNA polymerase alpha 1, catalytic subunit; plus strand). Cytogenetic location: Xp22.11.
Variant type: single nucleotide variant.
Coding change: c.3080T>C on transcript NM_001330360.2 (MANE Select); coding-DNA position 3080, T replaced by C.
Protein change: p.Leu1027Ser; replaces leucine 1027 with serine.
Molecular consequence: missense variant. On other transcripts: non-coding transcript variant (2).
Genome position (GRCh38, 1-based): chrX:24,810,790, T>C. VCF-style: chrX-24810790-T-C. GRCh37 (hg19) VCF-style: chrX-24828907-T-C.
Other names: c.3005T>C, p.Leu1002Ser (NM_001378303.1); c.3062T>C, p.Leu1021Ser (NM_016937.4); short protein forms L1027S, L1021S, L1002S.
Identifiers: ClinVar variation 2134095 (VCV002134095.4), dbSNP rs1166144129, ClinGen allele CA412524789.
Genomic context (GRCh38, chrX:24,810,790, plus strand): 5'-GAGATACAGATTCAATTATGATAAACACCAATAGCACCAATCTGGAAGAAGTATTTAAGT[T>C]GGGAAACAAGGTGAGATAATTTTATGAAATTATCTGCTTTACCTATTTTTGTGAATTCTG-3'
Protein context (NP_001317289.1, residues 1017-1037): NSTNLEEVFK[Leu1027Ser]GNKVKSEVNK

ClinVar aggregate classification (germline): Uncertain significance (1 of 4 stars; one submission).

Allele frequency attached by ClinVar (database versions not stated): TOPMed below 0.00001; gnomAD exomes 0.00001.
gnomAD v4.1: 9 of 1,028,992 alleles (0.00087%); highest among the groups gnomAD compares: South Asian, 0.018%; no homozygotes.

Submission:

Labcorp Genetics (formerly Invitae), Labcorp
Classification: Uncertain significance. Last evaluated: 2025-07-07. Review status: criteria provided, single submitter. Criteria: Invitae Variant Classification Sherloc (09022015). Collection method: clinical testing. Allele origin: germline.
Comment: This sequence change replaces leucine, which is neutral and non-polar, with serine, which is neutral and polar, at codon 1021 of the POLA1 protein (p.Leu1021Ser). The frequency data for this variant in the population databases is considered unreliable, as metrics indicate poor data quality at this position in the gnomAD database. This variant has not been reported in the literature in individuals affected with POLA1-related conditions. ClinVar contains an entry for this variant (Variation ID: 2134095). Invitae Evidence Modeling of protein sequence and biophysical properties (such as structural, functional, and spatial information, amino acid conservation, physicochemical variation, residue mobility, and thermodynamic stability) indicates that this missense variant is expected to disrupt POLA1 protein function with a positive predictive value of 80%. In summary, the available evidence is currently insufficient to determine the role of this variant in disease. Therefore, it has been classified as a Variant of Uncertain Significance.